The following is an entry in ClinVar:

NM_001372574.1(ATXN2):c.3231G>A (p.Pro1077=)

Gene: ATXN2 (ataxin 2; minus strand). Cytogenetic location: 12q24.12.
Variant type: single nucleotide variant.
Coding change: c.3231G>A on transcript NM_001372574.1 (MANE Select); coding-DNA position 3231, G replaced by A.
Protein change: p.Pro1077=; no amino-acid change (proline 1077 retained).
Molecular consequence: synonymous variant. On other transcripts: non-coding transcript variant (1).
Genome position (GRCh38, 1-based): chr12:111,456,068, C>T on the plus strand (G>A on the coding strand, the complement: ATXN2 is on the minus strand). VCF-style: chr12-111456068-C-T. GRCh37 (hg19) VCF-style: chr12-111893872-C-T.
Other names: c.2910G>A, p.Pro970= (NM_001310121.1); c.2784G>A, p.Pro928= (NM_001310123.1); c.3225G>A, p.Pro1075= (NM_002973.4).
Identifiers: ClinVar variation 3771160 (VCV003771160.14).

ClinVar aggregate classification (germline): Likely benign. Review status: criteria provided, multiple submitters, no conflicts (2 of 4 stars). 2 submissions from 2 submitters: Likely benign (2). Last evaluated 2024-12-01.

gnomAD v4.1: 55 of 1,614,056 alleles (0.0034%); highest among the groups gnomAD compares: Non-Finnish European, 0.0045%; no homozygotes.

Submissions (2):

CeGaT Center for Human Genetics Tuebingen
Classification: Likely benign. Last evaluated: 2024-12-01. Review status: criteria provided, single submitter. Criteria: CeGaT Center For Human Genetics Tuebingen Variant Classification Criteria Version 2. Collection method: clinical testing. Allele origin: germline. Affected: yes. Observed: 1 variant allele.
Comment: ATXN2: BP4, BP7

Blueprint Genetics
Classification: Likely benign. Last evaluated: 2021-12-15. Review status: criteria provided, single submitter. Criteria: ACMG Guidelines, 2015. Collection method: clinical testing. Allele origin: germline.